The following is an entry in ClinVar:

ClinVar aggregate classification (germline): Uncertain significance (1 of 4 stars; one submission).

Conditions:
Axenfeld-Rieger syndrome type 3 (RIEG3). Also called: AXENFELD-RIEGER ANOMALY WITH CARDIAC DEFECTS AND/OR SENSORINEURAL HEARING LOSS. Identifiers: Orphanet 782, MedGen C2678503, MONDO:0011233, OMIM 602482.

Allele frequency attached by ClinVar (database versions not stated): gnomAD 0.00001.

Submission:

Labcorp Genetics (formerly Invitae), Labcorp
Classification: Uncertain significance for Axenfeld-Rieger syndrome type 3. Last evaluated: 2021-07-30. Review status: criteria provided, single submitter. Criteria: Invitae Variant Classification Sherloc (09022015). Collection method: clinical testing. Allele origin: germline.
Comment: Algorithms developed to predict the effect of missense changes on protein structure and function are either unavailable or do not agree on the potential impact of this missense change (SIFT: "Deleterious"; PolyPhen-2: "Benign"; Align-GVGD: "Class C0"). This variant has not been reported in the literature in individuals affected with FOXC1-related conditions. The frequency data for this variant in the population databases is considered unreliable, as metrics indicate insufficient coverage at this position in the ExAC database. This sequence change replaces proline with histidine at codon 201 of the FOXC1 protein (p.Pro201His). The proline residue is moderately conserved and there is a moderate physicochemical difference between proline and histidine. In summary, the available evidence is currently insufficient to determine the role of this variant in disease. Therefore, it has been classified as a Variant of Uncertain Significance.

NM_001453.3(FOXC1):c.602C>A (p.Pro201His)

Gene: FOXC1 (forkhead box C1; plus strand). Cytogenetic location: 6p25.3.
Variant type: single nucleotide variant.
Coding change: c.602C>A on transcript NM_001453.3 (MANE Select); coding-DNA position 602, C replaced by A.
Protein change: p.Pro201His; replaces proline 201 with histidine.
Molecular consequence: missense variant.
Genome position (GRCh38, 1-based): chr6:1,611,047, C>A. VCF-style: chr6-1611047-C-A. GRCh37 (hg19) VCF-style: chr6-1611282-C-A.
Other names: short protein forms P201H.
Identifiers: ClinVar variation 1346771 (VCV001346771.6), dbSNP rs1762531102, ClinGen allele CA362559179.